The following is an entry in ClinVar:

ClinVar aggregate classification (germline): Uncertain significance (1 of 4 stars; one submission).

gnomAD v4.1: 3 of 1,611,800 alleles (0.00019%); highest among the groups gnomAD compares: African/African-American, 0.0013%; no homozygotes.

Submission:

Labcorp Genetics (formerly Invitae), Labcorp
Classification: Uncertain significance. Last evaluated: 2024-03-12. Review status: criteria provided, single submitter. Criteria: Invitae Variant Classification Sherloc (09022015). Collection method: clinical testing. Allele origin: germline.
Comment: This sequence change replaces histidine, which is basic and polar, with arginine, which is basic and polar, at codon 420 of the FKBP10 protein (p.His420Arg). The frequency data for this variant in the population databases is considered unreliable, as metrics indicate poor data quality at this position in the gnomAD database. This variant has not been reported in the literature in individuals affected with FKBP10-related conditions. An algorithm developed to predict the effect of missense changes on protein structure and function (PolyPhen-2) suggests that this variant is likely to be tolerated. In summary, the available evidence is currently insufficient to determine the role of this variant in disease. Therefore, it has been classified as a Variant of Uncertain Significance.

NM_021939.4(FKBP10):c.1259A>G (p.His420Arg)

Gene: FKBP10 (FKBP prolyl isomerase 10; plus strand). Cytogenetic location: 17q21.2.
Variant type: single nucleotide variant.
Coding change: c.1259A>G on transcript NM_021939.4 (MANE Select); coding-DNA position 1259, A replaced by G.
Protein change: p.His420Arg; replaces histidine 420 with arginine.
Molecular consequence: missense variant.
Genome position (GRCh38, 1-based): chr17:41,820,949, A>G. VCF-style: chr17-41820949-A-G. GRCh37 (hg19) VCF-style: chr17-39977201-A-G.
Other names: short protein forms H420R.
Identifiers: ClinVar variation 3673319 (VCV003673319.2).